The following is an entry in ClinVar:

ClinVar aggregate classification (germline): Likely benign (1 of 4 stars; one submission).

Conditions:
Hereditary pheochromocytoma and paraganglioma. Also called: Hereditary Paraganglioma-Pheochromocytoma Syndromes; Hereditary pheochromocytoma-paraganglioma; Hereditary paragangliomas and pheochromocytomas. Identifiers: Orphanet 29072, MedGen C4274332, MONDO:0017366.

Submission:

All of Us Research Program, National Institutes of Health
Classification: Likely benign for Hereditary pheochromocytoma and paraganglioma. Last evaluated: 2024-07-20. Review status: criteria provided, single submitter. Criteria: ACMG Guidelines, 2015. Collection method: clinical testing. Allele origin: germline. Inheritance: Autosomal dominant inheritance. Observed: 1 variant allele, 1 heterozygote.
Comment: This study involves interpretation of variants in research participants for the purpose of population health screening. Participant phenotype was not available at the time of variant classification. Additional details can be found in publication PMID: 35346344, PMCID: PMC8962531

NM_003001.5(SDHC):c.279T>C (p.Pro93=)

Gene: SDHC (succinate dehydrogenase complex subunit C; plus strand). Cytogenetic location: 1q23.3.
Variant type: single nucleotide variant.
Coding change: c.279T>C on transcript NM_003001.5 (MANE Select); coding-DNA position 279, T replaced by C.
Protein change: p.Pro93=; no amino-acid change (proline 93 retained).
Molecular consequence: synonymous variant. On other transcripts: non-coding transcript variant (1), intron variant (3).
Genome position (GRCh38, 1-based): chr1:161,356,714, T>C. VCF-style: chr1-161356714-T-C. GRCh37 (hg19) VCF-style: chr1-161326504-T-C.
Other names: c.177T>C, p.Pro59= (NM_001035512.3); c.120T>C, p.Pro40= (NM_001035513.3); c.399T>C, p.Pro133= (NM_001407115.1); c.222T>C, p.Pro74= (NM_001407116.1); c.216T>C, p.Pro72= (NM_001407117.1); c.171T>C, p.Pro57= (NM_001407118.1); c.168T>C, p.Pro56= (NM_001407119.1, NM_001407120.1); c.242-5615T>C (NM_001035511.3); and 2 more.
Identifiers: ClinVar variation 3385993 (VCV003385993.1).